The following is an entry in ClinVar:

ClinVar aggregate classification (germline): Pathogenic/Likely pathogenic. Review status: criteria provided, multiple submitters, no conflicts (2 of 4 stars). 8 submissions from 7 submitters: Pathogenic (2); Likely pathogenic (1). 5 of the submissions do not count toward it. Last evaluated 2024-10-22.

Conditions:
beta Thalassemia (BTHAL). Also called: Cooley's anemia; Erythroblastic anemia; Mediterranean anemia. Identifiers: Orphanet 848, MedGen C0005283, MONDO:0019402. Disease mechanism: loss of function.
Beta zero thalassemia. Identifiers: MedGen C0271980.
Beta-thalassemia HBB/LCRB. Identifiers: MedGen CN322236, MONDO:0013517, OMIM 613985.

gnomAD v4.1: 2 of 1,614,036 alleles (0.00012%); highest among the groups gnomAD compares: Non-Finnish European, 0.00017%; no homozygotes.

Submissions (8):

Natera, Inc.
Classification: Pathogenic for Beta thalassemia. Last evaluated: 2024-10-22. Review status: criteria provided, single submitter. Criteria: Natera Variant Classification Schema (03/2026). Collection method: clinical testing. Allele origin: germline.
Comment: The c.316-1G>A variant in HBB is a canonical splice acceptor site variant predicted to affect pre-mRNA splicing, which may result in an abnormal transcript and altered protein product. This variant may result in a truncated or dysfunctional protein product. This variant is rare in the general population with a frequency below the threshold expected for the associated phenotype(s). This variant has been observed in one or more individuals affected with the associated recessive disease, as either homozygous or compound heterozygous with a second variant (PMID: 22686296). Another variant at this same site results in an alteration predicted to cause a similar molecular effect has been observed in individual(s) with the associated phenotype. Given the available evidence, this variant is classified as Pathogenic.

Women's Health and Genetics/Laboratory Corporation of America, LabCorp
Classification: Likely pathogenic for beta Thalassemia. Last evaluated: 2024-04-05. Review status: criteria provided, single submitter. Criteria: LabCorp Variant Classification Summary - May 2015. Collection method: clinical testing. Allele origin: germline.
Comment: Variant summary: HBB c.316-1G>A (also described in the literature as IVS-II-850G>A) is located in a canonical splice-site and is predicted to affect mRNA splicing resulting in a significantly altered protein due to either exon skipping, shortening, or inclusion of intronic material. Several computational tools predict a significant impact on normal splicing: Four predict the variant abolishes a 3 acceptor site. However, these predictions have yet to be confirmed by functional studies. The variant was absent in 251150 control chromosomes (gnomAD). c.316-1G>A has been reported in the literature in homozygous and heterozygous individuals affected with beta-thalassemia (e.g. Al Mosawi_2020). Furthermore, beta-thal trait individuals heterozygous for the variant, were reported with a history of mild anemia and microcytosis (e.g. Curuk_1995, Knott_2006). These data indicate that the variant is likely to be associated with disease. To our knowledge, no experimental evidence demonstrating an impact on protein function has been reported. Other variants affecting the same splice-site nucleotide (c.316-1G>C, c.316-1G>T) have been reported internally and also, in ClinVar and HGMD as pathogenic/likely pathogenic and disease-associated. The following publications have been ascertained in the context of this evaluation (PMID: 31714438, 7558878, 16466947, 9101288). ClinVar contains an entry for this variant (Variation ID: 552712). Based on the evidence outlined above, the variant was classified as likely pathogenic.

Labcorp Genetics (formerly Invitae), Labcorp
Classification: Pathogenic. Last evaluated: 2023-02-25. Review status: criteria provided, single submitter. Criteria: Invitae Variant Classification Sherloc (09022015). Collection method: clinical testing. Allele origin: germline.
Comment: For these reasons, this variant has been classified as Pathogenic. Variants that disrupt the consensus splice site are a relatively common cause of aberrant splicing (PMID: 17576681, 9536098). Algorithms developed to predict the effect of sequence changes on RNA splicing suggest that this variant may disrupt the consensus splice site. Studies have shown that disruption of this splice site alters HBB gene expression (PMID: 6583702). ClinVar contains an entry for this variant (Variation ID: 552712). Disruption of this splice site has been observed in individuals with autosomal recessive beta-thalassemia (PMID: 2123063, 6583702). It has also been observed to segregate with disease in related individuals. This variant is not present in population databases (gnomAD no frequency). This sequence change affects an acceptor splice site in intron 2 of the HBB gene. While this variant is not anticipated to result in nonsense mediated decay, it likely alters RNA splicing and results in a disrupted protein product.

The ITHANET community portal, The Cyprus Institute of Neurology and Genetics
Classification: Pathogenic for beta Thalassemia. Last evaluated: 2019-11-25. Review status: no assertion criteria provided. Collection method: curation. Allele origin: germline. Not counted in ClinVar's aggregate classification.

College of Science, Al Muthanna University, Al Muthanna University
Classification: Pathogenic for beta Thalassemia. Last evaluated: 2018-07-01. Review status: no assertion criteria provided. Collection method: research. Allele origin: inherited. Inheritance: Autosomal dominant inheritance. Affected: yes. Observed: 2 variant alleles, 1 heterozygote, 1 homozygote. Not counted in ClinVar's aggregate classification.

College of Science, Al Muthanna University, Al Muthanna University
Classification: Pathogenic for beta^0^ Thalassemia. Last evaluated: 2018-01-01. Review status: no assertion criteria provided. Collection method: research. Allele origin: germline. Affected: yes. Not counted in ClinVar's aggregate classification.

Counsyl
Classification: Pathogenic for Beta-thalassemia HBB/LCRB. Last evaluated: 2017-08-22. Review status: no assertion criteria provided. Collection method: clinical testing. Allele origin: unknown. Not counted in ClinVar's aggregate classification.

OMIM
Classification: Pathogenic for BETA-ZERO-THALASSEMIA. Last evaluated: 1995-05-01. Review status: no assertion criteria provided. Collection method: literature only. Allele origin: germline. Not counted in ClinVar's aggregate classification.

Literature cited by the submitters: PubMed 22686296 (cited by Natera, Inc.); PubMed 9101288 (cited by Women's Health and Genetics/Laboratory Corporation of America, LabCorp); PubMed 7558878 (cited by 4 submitters); PubMed 31714438 (cited by Women's Health and Genetics/Laboratory Corporation of America, LabCorp and College of Science, Al Muthanna University, Al Muthanna University); PubMed 16466947 (cited by Women's Health and Genetics/Laboratory Corporation of America, LabCorp); PubMed 17576681 (cited by Labcorp Genetics (formerly Invitae), Labcorp); PubMed 9536098 (cited by Labcorp Genetics (formerly Invitae), Labcorp); PubMed 6583702 (cited by Labcorp Genetics (formerly Invitae), Labcorp); PubMed 2123063 (cited by Labcorp Genetics (formerly Invitae), Labcorp); PubMed 25905082 (cited by Counsyl).

NM_000518.5(HBB):c.316-1G>A

Genes: HBB (hemoglobin subunit beta; minus strand), LOC110006319 (beta-globin gene 3' regulatory region; plus strand), LOC107133510 (origin of replication at HBB; plus strand). Cytogenetic location: 11p15.4.
Variant type: single nucleotide variant.
Coding change: c.316-1G>A on transcript NM_000518.5 (MANE Select); the canonical splice acceptor site of the intron before coding-DNA position 316, G replaced by A.
Molecular consequence: splice acceptor variant.
Genome position (GRCh38, 1-based): chr11:5,225,727, C>T on the plus strand (G>A on the coding strand, the complement: HBB is on the minus strand). VCF-style: chr11-5225727-C-T. GRCh37 (hg19) VCF-style: chr11-5246957-C-T.
Other names: IVS-II-850 G>A; IVS II-850 (G>A); IVS2AS, G-A, -1.
Identifiers: ClinVar variation 552712 (VCV000552712.11), dbSNP rs33952266, ClinGen allele CA217112873.